The following is an entry in ClinVar:

ClinVar aggregate classification (germline): Pathogenic (1 of 4 stars; one submission).

Allele frequency attached by ClinVar (database versions not stated): gnomAD 0.00001; TOPMed 0.00001.

Submission:

Labcorp Genetics (formerly Invitae), Labcorp
Classification: Pathogenic. Last evaluated: 2023-02-08. Review status: criteria provided, single submitter. Criteria: Invitae Variant Classification Sherloc (09022015). Collection method: clinical testing. Allele origin: germline.
Comment: For these reasons, this variant has been classified as Pathogenic. This variant has not been reported in the literature in individuals affected with FREM2-related conditions. This variant is not present in population databases (gnomAD no frequency). This sequence change creates a premature translational stop signal (p.Glu2268Glyfs*45) in the FREM2 gene. It is expected to result in an absent or disrupted protein product. Loss-of-function variants in FREM2 are known to be pathogenic (PMID: 18203166, 26552811).

Literature cited by the submitters: PubMed 18203166; PubMed 26552811.

NM_207361.6(FREM2):c.6799_6802dup (p.Glu2268fs)

Gene: FREM2 (FRAS1 related extracellular matrix 2; plus strand). Cytogenetic location: 13q13.3.
Variant type: Duplication.
Coding change: c.6799_6802dup on transcript NM_207361.6 (MANE Select); coding-DNA positions 6799 to 6802, 4 bases duplicated (GGAG; older notation c.6799_6802dupGGAG).
Protein change: p.Glu2268fs; shifts the reading frame from glutamic acid 2268.
Molecular consequence: frameshift variant.
Genome position (GRCh38, 1-based): chr13:38,851,742-38,851,745, GGAG duplicated. VCF-style (leftmost placement, unchanged base first): chr13-38851741-T-TGGAG. GRCh37 (hg19) VCF-style: chr13-39425878-T-TGGAG.
Other names: short protein forms E2268fs.
Identifiers: ClinVar variation 2835252 (VCV002835252.3), dbSNP rs1877377994, ClinGen allele CA955133513.
Genomic context (GRCh38, chr13:38,851,741, plus strand): 5'-TTTAGAGACTGTTATTAAATTTGGAGAAACCAAATTTAGTGTCACTGAACCCAAAGAACC[T>TGGAG]GGAGAGTCGGTGGTTATAAGAATTCCAGTGATTCGCCAAGGAGACACTTCAAAGGTTTCC-3'